The following is an entry in ClinVar:

NM_003809.3(TNFSF12):c.157C>A (p.Gln53Lys)

Genes: TNFSF12 (TNF superfamily member 12; plus strand), TNFSF12-TNFSF13 (TNFSF12-TNFSF13 readthrough; plus strand). Cytogenetic location: 17p13.1.
Variant type: single nucleotide variant.
Coding change: c.157C>A on transcript NM_003809.3 (MANE Select); coding-DNA position 157, C replaced by A.
Protein change: p.Gln53Lys; replaces glutamine 53 with lysine.
Molecular consequence: missense variant. On other transcripts: non-coding transcript variant (1).
Genome position (GRCh38, 1-based): chr17:7,549,310, C>A. VCF-style: chr17-7549310-C-A. GRCh37 (hg19) VCF-style: chr17-7452627-C-A.
Other names: c.157C>A, p.Gln53Lys (NM_172089.4); short protein forms Q53K.
Identifiers: ClinVar variation 1486422 (VCV001486422.8), dbSNP rs532271559, ClinGen allele CA8350691.

ClinVar aggregate classification (germline): Uncertain significance (1 of 4 stars; one submission).

Conditions:
Common variable immunodeficiency (CVID). Also called: Common variable hypogamma-globulinemia; Common variable agammaglobulinemia. Identifiers: Orphanet 1572, MedGen C0009447, MONDO:0015517.

Allele frequency attached by ClinVar (database versions not stated): gnomAD exomes 0.00001 and 0.00005; gnomAD 0.00025 and 0.00026; TOPMed 0.00029; 1000 Genomes Project 30x 0.00031; 1000 Genomes Project 0.00040.

Submission:

Labcorp Genetics (formerly Invitae), Labcorp
Classification: Uncertain significance for Common variable immunodeficiency. Last evaluated: 2026-01-28. Review status: criteria provided, single submitter. Criteria: Invitae Variant Classification Sherloc (09022015). Collection method: clinical testing. Allele origin: germline.
Comment: This sequence change replaces glutamine, which is neutral and polar, with lysine, which is basic and polar, at codon 53 of the TNFSF12 protein (p.Gln53Lys). The frequency data for this variant in the population databases is considered unreliable, as metrics indicate poor data quality at this position in the gnomAD database. This variant has not been reported in the literature in individuals affected with TNFSF12-related conditions. ClinVar contains an entry for this variant (Variation ID: 1486422). An algorithm developed to predict the effect of missense changes on protein structure and function (PolyPhen-2) suggests that this variant is likely to be disruptive. In summary, the available evidence is currently insufficient to determine the role of this variant in disease. Therefore, it has been classified as a Variant of Uncertain Significance.